The following is an entry in ClinVar:

ClinVar aggregate classification (germline): Uncertain significance (1 of 4 stars; one submission).

Conditions:
Developmental and epileptic encephalopathy, 53. Also called: Epileptic encephalopathy, early infantile, 53. Identifiers: MedGen C4479313, MONDO:0033362, OMIM 617389.
Early-onset Parkinson disease 20. Also called: PARKINSON DISEASE 20, AUTOSOMAL RECESSIVE EARLY-ONSET. Identifiers: Orphanet 391411, MedGen C3809824, MONDO:0014233, OMIM 615530.

Submission:

Labcorp Genetics (formerly Invitae), Labcorp
Classification: Uncertain significance for Developmental and epileptic encephalopathy, 53; Early-onset Parkinson disease 20. Last evaluated: 2017-07-24. Review status: criteria provided, single submitter. Criteria: Invitae Variant Classification Sherloc (09022015). Collection method: clinical testing. Allele origin: germline.
Comment: This sequence change replaces alanine with glycine at codon 320 of the SYNJ1 protein (p.Ala320Gly). The alanine residue is highly conserved and there is a small physicochemical difference between alanine and glycine. This variant has not been reported in the literature in individuals with SYNJ1-related disease. This variant is not present in population databases (ExAC no frequency). Algorithms developed to predict the effect of missense changes on protein structure and function (SIFT, PolyPhen-2, Align-GVGD) all suggest that this variant is likely to be disruptive, but these predictions have not been confirmed by published functional studies and their clinical significance is uncertain. In summary, the available evidence is currently insufficient to determine the role of this variant in disease. Therefore, it has been classified as a Variant of Uncertain Significance.

NM_203446.3(SYNJ1):c.842C>G (p.Ala281Gly)

Gene: SYNJ1 (synaptojanin 1; minus strand). Cytogenetic location: 21q22.11.
Variant type: single nucleotide variant.
Coding change: c.842C>G on transcript NM_203446.3 (MANE Select); coding-DNA position 842, C replaced by G.
Protein change: p.Ala281Gly; replaces alanine 281 with glycine.
Molecular consequence: missense variant.
Genome position (GRCh38, 1-based): chr21:32,688,315, G>C on the plus strand (C>G on the coding strand, the complement: SYNJ1 is on the minus strand). VCF-style: chr21-32688315-G-C. GRCh37 (hg19) VCF-style: chr21-34060625-G-C.
Other names: c.842C>G, p.Ala281Gly (NM_001160302.2, NM_001160306.2); c.959C>G, p.Ala320Gly (NM_003895.4); short protein forms A320G, A281G.
Identifiers: ClinVar variation 478368 (VCV000478368.9), dbSNP rs1046699971, ClinGen allele CA410094159.